The following is an entry in ClinVar:

NM_000338.3(SLC12A1):c.1927del (p.Thr643fs)

Genes: SLC12A1 (solute carrier family 12 member 1; plus strand), LOC126862123 (CDK7 strongly-dependent group 2 enhancer GRCh37_chr15:48543423-48544622; plus strand). Cytogenetic location: 15q21.1.
Variant type: Deletion.
Coding change: c.1927del on transcript NM_000338.3 (MANE Select); coding-DNA position 1927, one base deleted (A; older notation c.1927delA).
Protein change: p.Thr643fs; shifts the reading frame from threonine 643.
Molecular consequence: frameshift variant.
Genome position (GRCh38, 1-based): chr15:48,251,755, A deleted. VCF-style (leftmost placement, unchanged base first): chr15-48251754-GA-G. GRCh37 (hg19) VCF-style: chr15-48543951-GA-G.
Other names: c.1927del, p.Thr643fs (NM_001184832.2, NM_001384136.1); short protein forms T643fs.
Identifiers: ClinVar variation 1333601 (VCV001333601.1), dbSNP rs2141064916, ClinGen allele CA2573054021.

ClinVar aggregate classification (germline): Likely pathogenic (1 of 4 stars; one submission).

Conditions:
Bartter disease type 1. Also called: HYPOKALEMIC ALKALOSIS WITH HYPERCALCIURIA 1, ANTENATAL; Bartter syndrome, type 1, antenatal; Bartter Syndrome type 1; HYPERPROSTAGLANDIN E SYNDROME 1. Identifiers: Orphanet 112, Orphanet 620217, MedGen C1866495, MONDO:0100344, OMIM 601678, MONDO:0011127.

Submission:

3billion
Classification: Likely pathogenic for Bartter disease type 1. Last evaluated: 2022-01-03. Review status: criteria provided, single submitter. Criteria: ACMG Guidelines, 2015. Collection method: clinical testing. Allele origin: germline. Affected: yes. Observed: 1 homozygote.
Comment: Frameshift: predicted to result in a loss or disruption of normal protein function through nonsense-mediated decay (NMD) or protein truncation. Multiple pathogenic variants are reported downstream of the variant (PVS1_VS). It is not observed in the gnomAD v2.1.1 dataset (PM2_M). Therefore, this variant is classified as likely pathogenic according to the recommendation of ACMG/AMP guideline.